The following is an entry in ClinVar:

ClinVar aggregate classification (germline): Pathogenic (1 of 4 stars; one submission).

Conditions:
Maple syrup urine disease (MSUD). Identifiers: Orphanet 511, MedGen C0024776, MeSH D008375, MONDO:0009563. Disease mechanism: loss of function.

Submission:

Labcorp Genetics (formerly Invitae), Labcorp
Classification: Pathogenic for Maple syrup urine disease. Last evaluated: 2020-05-13. Review status: criteria provided, single submitter. Criteria: Invitae Variant Classification Sherloc (09022015). Collection method: clinical testing. Allele origin: germline.
Comment: A gross deletion of the genomic region encompassing the full coding sequence of the BCKDHB gene has been identified. The boundaries of this event are unknown as the deletion extends beyond the assayed region for this gene and therefore may encompass additional genes. This variant has been observed in an individual with maple syrup urine disease (PMID: 29740478). Loss-of-function variants in BCKDHB are known to be pathogenic (PMID: 16786533, 22593002). For these reasons, this variant has been classified as Pathogenic.

Literature cited by the submitters: PubMed 29740478; PubMed 16786533; PubMed 22593002.

NC_000006.11:g.(?_80816391)_(81053541_?)del

Gene: BCKDHB (branched chain keto acid dehydrogenase E1 subunit beta; plus strand). Cytogenetic location: 6q14.1.
Variant type: Deletion.
Identifiers: ClinVar variation 1070281 (VCV001070281.1).